The following is an entry in ClinVar:

ClinVar aggregate classification (germline): Pathogenic (1 of 4 stars; one submission).

Conditions:
Intellectual developmental disorder, autosomal dominant 44, with microcephaly. Also called: Micrognathia-recurrent infections-behavioral abnormalities-mild intellectual disability syndrome; TRIO-Related Intellectual Disability. Identifiers: Orphanet 476126, MedGen C4310740, MONDO:0014892, OMIM 617061.

Submission:

Variantyx, Inc.
Classification: Pathogenic for Intellectual developmental disorder, autosomal dominant 44, with microcephaly. Last evaluated: 2025-07-07. Review status: criteria provided, single submitter. Criteria: Variantyx Assertion Criteria 2022. Collection method: clinical testing. Allele origin: germline. Inheritance: Autosomal dominant inheritance. Affected: yes.
Comment: This is a nonsense variant in the TRIO gene (OMIM: 601893). Pathogenic variants in this gene have been associated with autosomal dominant TRIO-related disorders. This variant introduces a premature termination codon in exon 42 out of 57 and is expected to result in loss of function, which is a known disease mechanism for TRIO in this disorder (PMID: 26721934, 33167890) (PVS1). This variant is absent from control populations (PM2) and has not been reported in individuals with TRIO-related disorders in the databases available for review. Based on the current evidence, this variant is classified as pathogenic for autosomal dominant TRIO-related disorders.

Literature cited by the submitters: PubMed 25363760; PubMed 26721934; PubMed 33167890.

NM_007118.4(TRIO):c.6218C>G (p.Ser2073Ter)

Gene: TRIO (trio Rho guanine nucleotide exchange factor; plus strand). Cytogenetic location: 5p15.2.
Variant type: single nucleotide variant.
Coding change: c.6218C>G on transcript NM_007118.4 (MANE Select); coding-DNA position 6218, C replaced by G.
Protein change: p.Ser2073Ter; replaces serine 2073 with a stop codon.
Molecular consequence: nonsense. On other transcripts: non-coding transcript variant (1).
Genome position (GRCh38, 1-based): chr5:14,479,325, C>G. VCF-style: chr5-14479325-C-G. GRCh37 (hg19) VCF-style: chr5-14479434-C-G.
Other names: short protein forms S2073*.
Identifiers: ClinVar variation 4813771 (VCV004813771.1).